The following is an entry in ClinVar:

NM_001277115.2(DNAH11):c.10318T>G (p.Phe3440Val)

Gene: DNAH11 (dynein axonemal heavy chain 11; plus strand). Cytogenetic location: 7p15.3.
Variant type: single nucleotide variant.
Coding change: c.10318T>G on transcript NM_001277115.2 (MANE Select); coding-DNA position 10318, T replaced by G.
Protein change: p.Phe3440Val; replaces phenylalanine 3440 with valine.
Molecular consequence: missense variant.
Genome position (GRCh38, 1-based): chr7:21,808,035, T>G. VCF-style: chr7-21808035-T-G. GRCh37 (hg19) VCF-style: chr7-21847653-T-G.
Other names: c.10339T>G, p.Phe3447Val (NM_003777.3); short protein forms F3447V, F3440V.
Identifiers: ClinVar variation 1982379 (VCV001982379.4), dbSNP rs1341470435, ClinGen allele CA366946615.

ClinVar aggregate classification (germline): Uncertain significance (1 of 4 stars; one submission).

Conditions:
Primary ciliary dyskinesia. Also called: Ciliary dyskinesia. Identifiers: Orphanet 244, MedGen C0008780, MONDO:0016575, HP:0012265.

gnomAD v4.1: 2 of 1,541,806 alleles (0.00013%); highest among the groups gnomAD compares: Admixed American, 0.0018%; no homozygotes.

Submission:

Labcorp Genetics (formerly Invitae), Labcorp
Classification: Uncertain significance for Primary ciliary dyskinesia. Last evaluated: 2022-11-08. Review status: criteria provided, single submitter. Criteria: Invitae Variant Classification Sherloc (09022015). Collection method: clinical testing. Allele origin: germline.
Comment: In summary, the available evidence is currently insufficient to determine the role of this variant in disease. Therefore, it has been classified as a Variant of Uncertain Significance. Advanced modeling of protein sequence and biophysical properties (such as structural, functional, and spatial information, amino acid conservation, physicochemical variation, residue mobility, and thermodynamic stability) performed at Invitae indicates that this missense variant is not expected to disrupt DNAH11 protein function. This variant has not been reported in the literature in individuals affected with DNAH11-related conditions. This variant is not present in population databases (gnomAD no frequency). This sequence change replaces phenylalanine, which is neutral and non-polar, with valine, which is neutral and non-polar, at codon 3440 of the DNAH11 protein (p.Phe3440Val).